The following is an entry in ClinVar:

ClinVar aggregate classification (germline): Uncertain significance. Review status: criteria provided, multiple submitters, no conflicts (2 of 4 stars). 4 submissions from 4 submitters: Uncertain significance (4). Last evaluated 2026-03-31.

Conditions:
Epidermolysis bullosa simplex, Ogna type (EBS5A). Also called: Pidermolysis bullosa simplex 5A, Ogna type; EPIDERMOLYSIS BULLOSA SIMPLEX 5A, OGNA TYPE. Identifiers: Orphanet 79401, MedGen C0432317, MONDO:0007555, OMIM 131950.
Autosomal recessive limb-girdle muscular dystrophy type 2Q (LGMDR17). Also called: MUSCULAR DYSTROPHY, LIMB-GIRDLE, AUTOSOMAL RECESSIVE 17. Identifiers: Orphanet 254361, MedGen C3150989, MONDO:0013390, OMIM 613723.
Epidermolysis bullosa simplex 5B, with muscular dystrophy (EBS5B). Also called: Epidermolysis bullosa simplex with muscular dystrophy; EPIDERMOLYSIS BULLOSA SIMPLEX AND LIMB-GIRDLE MUSCULAR DYSTROPHY. Identifiers: Orphanet 257, MedGen C2931072, MONDO:0009181, OMIM 226670.
Epidermolysis bullosa simplex with nail dystrophy (EBS5D). Identifiers: MedGen C4225309, MONDO:0014661, OMIM 616487.
Epidermolysis bullosa simplex 5C, with pyloric atresia (EBS5C). Also called: PLEC-Related Epidermolysis Bullosa with Pyloric Atresia; Epidermolysis bullosa simplex with pyloric atresia; PLEC1-Related Epidermolysis Bullosa with Pyloric Atresia. Identifiers: Orphanet 158684, MedGen C2677349, MONDO:0012807, OMIM 612138.
PLEC-related disorder. Also called: PLEC-related condition; PLEC-related disorders.

Allele frequency attached by ClinVar (database versions not stated): gnomAD 0.00003 and 0.00004; TOPMed 0.00005; gnomAD exomes 0.00008; ExAC 0.00009; ESP Exome Variant Server 0.00016.
gnomAD v4.1: 113 of 1,612,956 alleles (0.007%); highest among the groups gnomAD compares: South Asian, 0.029%; no homozygotes.

Submissions (4):

PreventionGenetics, part of Exact Sciences
Classification: Uncertain significance for PLEC-related condition. Last evaluated: 2026-03-31. Review status: criteria provided, single submitter. Criteria: ACMG Guidelines, 2015. Collection method: clinical testing. Allele origin: germline.
Comment: The PLEC c.10088C>T variant is predicted to result in the amino acid substitution p.Thr3363Met. To our knowledge, this variant has not been reported in the literature. This variant is reported in 0.026% of alleles in individuals of South Asian descent in gnomAD. At this time, the clinical significance of this variant is uncertain due to the absence of conclusive functional and genetic evidence.

Labcorp Genetics (formerly Invitae), Labcorp
Classification: Uncertain significance for Autosomal recessive limb-girdle muscular dystrophy type 2Q; Epidermolysis bullosa simplex, Ogna type; Epidermolysis bullosa simplex with nail dystrophy; Epidermolysis bullosa simplex 5C, with pyloric atresia; Epidermolysis bullosa simplex 5B, with muscular dystrophy. Last evaluated: 2026-01-22. Review status: criteria provided, single submitter. Criteria: Invitae Variant Classification Sherloc (09022015). Collection method: clinical testing. Allele origin: germline.
Comment: This sequence change replaces threonine, which is neutral and polar, with methionine, which is neutral and non-polar, at codon 3363 of the PLEC protein (p.Thr3363Met). This variant is present in population databases (rs199950917, gnomAD 0.03%). This variant has not been reported in the literature in individuals affected with PLEC-related conditions. ClinVar contains an entry for this variant (Variation ID: 471511). An algorithm developed to predict the effect of missense changes on protein structure and function (PolyPhen-2) suggests that this variant is likely to be disruptive. In summary, the available evidence is currently insufficient to determine the role of this variant in disease. Therefore, it has been classified as a Variant of Uncertain Significance.

CeGaT Center for Human Genetics Tuebingen
Classification: Uncertain significance. Last evaluated: 2024-07-01. Review status: criteria provided, single submitter. Criteria: CeGaT Center For Human Genetics Tuebingen Variant Classification Criteria Version 2. Collection method: clinical testing. Allele origin: germline. Affected: yes. Observed: 1 variant allele.
Comment: PLEC: PM2, BP4

GeneDx
Classification: Uncertain significance. Last evaluated: 2022-05-02. Review status: criteria provided, single submitter. Criteria: GeneDx Variant Classification Process June 2021. Collection method: clinical testing. Allele origin: germline. Affected: yes.
Comment: In silico analysis supports that this missense variant does not alter protein structure/function; Has not been previously published as pathogenic or benign to our knowledge

NM_201384.3(PLEC):c.10007C>T (p.Thr3336Met)

Gene: PLEC (plectin; minus strand). Cytogenetic location: 8q24.3.
Variant type: single nucleotide variant.
Coding change: c.10007C>T on transcript NM_201384.3 (MANE Select); coding-DNA position 10007, C replaced by T.
Protein change: p.Thr3336Met; replaces threonine 3336 with methionine.
Molecular consequence: missense variant.
Genome position (GRCh38, 1-based): chr8:143,919,814, G>A on the plus strand (C>T on the coding strand, the complement: PLEC is on the minus strand). VCF-style: chr8-143919814-G-A. GRCh37 (hg19) VCF-style: chr8-144993982-G-A.
Other names: c.10088C>T, p.Thr3363Met (NM_000445.5); c.9965C>T, p.Thr3322Met (NM_201378.4); c.9941C>T, p.Thr3314Met (NM_201379.3); c.10418C>T, p.Thr3473Met (NM_201380.4); c.9911C>T, p.Thr3304Met (NM_201381.3); c.10007C>T, p.Thr3336Met (NM_201382.4); c.10019C>T, p.Thr3340Met (NM_201383.3); short protein forms T3322M, T3314M, T3340M, T3304M, T3336M, T3363M, T3473M.
Identifiers: ClinVar variation 471511 (VCV000471511.29), dbSNP rs199950917, ClinGen allele CA4924793.
Genomic context (GRCh38, chr8:143,919,814, plus strand): 5'-CAGCCACTGCCCTGCAGCAGCGTCCGCACGGAGCCCAGCTCCGAAAGGTCCTTGACCGTC[G>A]TCTTGCCGTCCTTGAGCTGCTCAAACTGGGCTCTGCTGAGGACCCCGGAAGCCAGGAGCT-3'
Protein context (NP_958786.1, residues 3326-3346): AQFEQLKDGK[Thr3336Met]TVKDLSELGS